The following is an entry in ClinVar:

NM_001040108.2(MLH3):c.3547A>G (p.Lys1183Glu)

Gene: MLH3 (mutL homolog 3; minus strand). Cytogenetic location: 14q24.3.
Variant type: single nucleotide variant.
Coding change: c.3547A>G on transcript NM_001040108.2 (MANE Select); coding-DNA position 3547, A replaced by G.
Protein change: p.Lys1183Glu; replaces lysine 1183 with glutamic acid.
Molecular consequence: missense variant.
Genome position (GRCh38, 1-based): chr14:75,039,934, T>C on the plus strand (A>G on the coding strand, the complement: MLH3 is on the minus strand). VCF-style: chr14-75039934-T-C. GRCh37 (hg19) VCF-style: chr14-75506637-T-C.
Other names: c.3547A>G, p.Lys1183Glu (NM_014381.3); short protein forms K1183E.
Identifiers: ClinVar variation 3396761 (VCV003396761.1).

ClinVar aggregate classification (germline): Uncertain significance (1 of 4 stars; one submission).

Submission:

Ambry Genetics
Classification: Uncertain significance. Last evaluated: 2024-11-03. Review status: criteria provided, single submitter. Criteria: Ambry Variant Classification Scheme 2023. Collection method: clinical testing. Allele origin: germline.
Comment: The p.K1183E variant (also known as c.3547A>G), located in coding exon 4 of the MLH3 gene, results from an A to G substitution at nucleotide position 3547. The lysine at codon 1183 is replaced by glutamic acid, an amino acid with similar properties. This amino acid position is conserved. In addition, this alteration is predicted to be deleterious by in silico analysis. Based on the available evidence, the clinical significance of this variant remains unclear.